The following is an entry in ClinVar:

ClinVar aggregate classification (germline): Pathogenic (1 of 4 stars; one submission).

Submission:

Labcorp Genetics (formerly Invitae), Labcorp
Classification: Pathogenic. Last evaluated: 2023-09-28. Review status: criteria provided, single submitter. Criteria: Invitae Variant Classification Sherloc (09022015). Collection method: clinical testing. Allele origin: unknown.
Comment: This variant is a gross deletion of the genomic region encompassing exon(s) 10-12 of the PEPD gene. This deletion is out-of-frame, and is expected to create a premature termination codon and result in an absent or disrupted protein product. Loss-of-function variants in PEPD are known to be pathogenic (PMID: 8198124, 10721675, 12384772, 17142620). This variant has not been reported in the literature in individuals affected with PEPD-related conditions. For these reasons, this variant has been classified as Pathogenic.

Literature cited by the submitters: PubMed 8198124; PubMed 10721675; PubMed 12384772; PubMed 17142620.

NC_000019.9:g.(?_33892607)_(33904569_?)del

Gene: PEPD (peptidase D; minus strand). Cytogenetic location: 19q13.11.
Variant type: Deletion.
Identifiers: ClinVar variation 3242633 (VCV003242633.1).